The following is an entry in ClinVar:

ClinVar aggregate classification (germline): Uncertain significance (1 of 4 stars; one submission).

Conditions:
Familial thoracic aortic aneurysm and aortic dissection (TAAD). Also called: Thoracic aortic aneurysms and dissections. Identifiers: Orphanet 91387, MedGen C4707243, MONDO:0019625.

Submission:

Ambry Genetics
Classification: Uncertain significance for Familial thoracic aortic aneurysm and aortic dissection. Last evaluated: 2021-03-02. Review status: criteria provided, single submitter. Criteria: Ambry Variant Classification Scheme 2023. Collection method: clinical testing. Allele origin: germline.
Comment: The p.N653Y variant (also known as c.1957A>T), located in coding exon 28 of the COL3A1 gene, results from an A to T substitution at nucleotide position 1957. The asparagine at codon 653 is replaced by tyrosine, an amino acid with dissimilar properties. This amino acid position is well conserved in available vertebrate species. In addition, the in silico prediction for this alteration is inconclusive. Since supporting evidence is limited at this time, the clinical significance of this alteration remains unclear.

NM_000090.4(COL3A1):c.1957A>T (p.Asn653Tyr)

Gene: COL3A1 (collagen type III alpha 1 chain; plus strand). Cytogenetic location: 2q32.2.
Variant type: single nucleotide variant.
Coding change: c.1957A>T on transcript NM_000090.4 (MANE Select); coding-DNA position 1957, A replaced by T.
Protein change: p.Asn653Tyr; replaces asparagine 653 with tyrosine.
Molecular consequence: missense variant.
Genome position (GRCh38, 1-based): chr2:188,998,299, A>T. VCF-style: chr2-188998299-A-T. GRCh37 (hg19) VCF-style: chr2-189863025-A-T.
Other names: short protein forms N653Y.
Identifiers: ClinVar variation 1783326 (VCV001783326.2), dbSNP rs1688374292, ClinGen allele CA349854097.